The following is an entry in ClinVar:

NM_006440.5(TXNRD2):c.1086+17G>A

Gene: TXNRD2 (thioredoxin reductase 2; minus strand). Cytogenetic location: 22q11.21.
Variant type: single nucleotide variant.
Coding change: c.1086+17G>A on transcript NM_006440.5 (MANE Select); 17 bases into the intron after coding-DNA position 1086, G replaced by A.
Molecular consequence: intron variant.
Genome position (GRCh38, 1-based): chr22:19,883,308, C>T on the plus strand (G>A on the coding strand, the complement: TXNRD2 is on the minus strand). VCF-style: chr22-19883308-C-T. GRCh37 (hg19) VCF-style: chr22-19870831-C-T.
Other names: c.1083+17G>A (NM_001352300.2); c.798+17G>A (NM_001352302.2); c.996+17G>A (NM_001352301.2).
Identifiers: ClinVar variation 383771 (VCV000383771.11), dbSNP rs2239893, ClinGen allele CA10103834.
Genomic context (GRCh38, chr22:19,883,308, plus strand): 5'-CAGCAGCCGGAGCCCAGCGAGCAGGGGTGGTGGAGCAGGCAGGGGCAGGGGCCCTGGTCC[C>T]GGGACGCATGCCGTACCTCCACCACGTCACCAATGGCGTAGATGTGGGGCACAGAGGTGG-3'

ClinVar aggregate classification (germline): Benign. Review status: criteria provided, multiple submitters, no conflicts (2 of 4 stars). 4 submissions from 4 submitters: Benign (4). Last evaluated 2026-02-04.

Conditions:
Primary dilated cardiomyopathy (DCM). Also called: Dilated Cardiomyopathy. Identifiers: Orphanet 217604, MedGen C0007193, MeSH D002311, MONDO:0005021, HP:0001644. Inheritance: Various modes of inheritance.
Glucocorticoid deficiency 5. Identifiers: MedGen C4540522, MONDO:0040502, OMIM 617825.

Allele frequency attached by ClinVar (database versions not stated): 1000 Genomes Project 30x 0.22408; TOPMed 0.24899; ESP Exome Variant Server 0.25040; gnomAD 0.25072 and 0.25106; ExAC 0.26938; gnomAD exomes 0.27011 and 0.29420; 1000 Genomes Project 0.22165.
gnomAD v4.1: 466,757 of 1,610,858 alleles (29%); highest among the groups gnomAD compares: Non-Finnish European, 31%; 69,364 homozygotes.

Submissions (4):

Labcorp Genetics (formerly Invitae), Labcorp
Classification: Benign for Primary dilated cardiomyopathy. Last evaluated: 2026-02-04. Review status: criteria provided, single submitter. Criteria: Invitae Variant Classification Sherloc (09022015). Collection method: clinical testing. Allele origin: germline.

Genome-Nilou Lab
Classification: Benign for Glucocorticoid deficiency 5. Last evaluated: 2021-12-05. Review status: criteria provided, single submitter. Criteria: ACMG Guidelines, 2015. Collection method: clinical testing. Allele origin: germline. Affected: no.

GeneDx
Classification: Benign. Last evaluated: 2016-09-27. Review status: criteria provided, single submitter. Criteria: GeneDx Variant Classification (06012015). Collection method: clinical testing. Allele origin: germline. Affected: yes.
Comment: This variant is considered likely benign or benign based on one or more of the following criteria: it is a conservative change, it occurs at a poorly conserved position in the protein, it is predicted to be benign by multiple in silico algorithms, and/or has population frequency not consistent with disease.

Breakthrough Genomics
Classification: Benign. Review status: criteria provided, single submitter. Criteria: ACMG Guidelines, 2015. Collection method: not provided. Allele origin: germline. Inheritance: Autosomal recessive inheritance. Affected: yes.